The following is an entry in ClinVar:

ClinVar aggregate classification (germline): Uncertain significance. Review status: criteria provided, multiple submitters, no conflicts (2 of 4 stars). 3 submissions from 3 submitters: Uncertain significance (3). Last evaluated 2024-10-04.

Conditions:
Intellectual developmental disorder, autosomal recessive 5. Also called: Intellectual disability, autosomal recessive 5. Identifiers: Orphanet 88616, MedGen C1970199, MONDO:0012613, OMIM 611091.

Allele frequency attached by ClinVar (database versions not stated): gnomAD exomes 0.00005; gnomAD 0.00003; ExAC 0.00007; TOPMed 0.00004; ESP Exome Variant Server 0.00015.
gnomAD v4.1: 161 of 1,610,122 alleles (0.01%); highest among the groups gnomAD compares: Non-Finnish European, 0.013%; no homozygotes.

Submissions (3):

Labcorp Genetics (formerly Invitae), Labcorp
Classification: Uncertain significance. Last evaluated: 2024-10-04. Review status: criteria provided, single submitter. Criteria: Invitae Variant Classification Sherloc (09022015). Collection method: clinical testing. Allele origin: germline.
Comment: This sequence change replaces glycine, which is neutral and non-polar, with serine, which is neutral and polar, at codon 255 of the NSUN2 protein (p.Gly255Ser). This variant is present in population databases (rs140003855, gnomAD 0.009%). This variant has not been reported in the literature in individuals affected with NSUN2-related conditions. ClinVar contains an entry for this variant (Variation ID: 436080). Invitae Evidence Modeling of protein sequence and biophysical properties (such as structural, functional, and spatial information, amino acid conservation, physicochemical variation, residue mobility, and thermodynamic stability) indicates that this missense variant is not expected to disrupt NSUN2 protein function with a negative predictive value of 80%. In summary, the available evidence is currently insufficient to determine the role of this variant in disease. Therefore, it has been classified as a Variant of Uncertain Significance.

Illumina Laboratory Services, Illumina
Classification: Uncertain significance for Intellectual developmental disorder, autosomal recessive 5. Last evaluated: 2018-01-12. Review status: criteria provided, single submitter. Criteria: ICSL Variant Classification Criteria 13 December 2019. Collection method: clinical testing. Allele origin: germline.

Genetic Services Laboratory, University of Chicago
Classification: Uncertain significance. Last evaluated: 2016-12-18. Review status: criteria provided, single submitter. Criteria: ACMG Guidelines, 2015. Collection method: clinical testing. Allele origin: germline. Affected: no.

NM_017755.6(NSUN2):c.763G>A (p.Gly255Ser)

Gene: NSUN2 (NOP2/Sun RNA methyltransferase 2; minus strand). Cytogenetic location: 5p15.31.
Variant type: single nucleotide variant.
Coding change: c.763G>A on transcript NM_017755.6 (MANE Select); coding-DNA position 763, G replaced by A.
Protein change: p.Gly255Ser; replaces glycine 255 with serine.
Molecular consequence: missense variant. On other transcripts: non-coding transcript variant (1).
Genome position (GRCh38, 1-based): chr5:6,620,158, C>T on the plus strand (G>A on the coding strand, the complement: NSUN2 is on the minus strand). VCF-style: chr5-6620158-C-T. GRCh37 (hg19) VCF-style: chr5-6620271-C-T.
Other names: c.658G>A, p.Gly220Ser (NM_001193455.2); short protein forms G255S, G220S.
Identifiers: ClinVar variation 436080 (VCV000436080.11), dbSNP rs140003855, ClinGen allele CA3192680.
Genomic context (GRCh38, chr5:6,620,158, plus strand): 5'-ATAAATACCTGCAAGGGACATCACATAAAATTCGATCATAGAAGAGGATCTCTTTCCTGC[C>T]GTCCACATCTATCTGGAGCCTGGGTATGCTGGAGGCATCATGGTTGACCACCATGATGCA-3'
Protein context (NP_060225.4, residues 245-265): SIPRLQIDVD[Gly255Ser]RKEILFYDRI